The following is an entry in ClinVar:

ClinVar aggregate classification (germline): Uncertain significance (1 of 4 stars; one submission).

Conditions:
Dyskeratosis congenita. Identifiers: Orphanet 1775, MedGen C0265965, MONDO:0015780.

Submission:

Labcorp Genetics (formerly Invitae), Labcorp
Classification: Uncertain significance for Dyskeratosis congenita. Last evaluated: 2021-10-23. Review status: criteria provided, single submitter. Criteria: Invitae Variant Classification Sherloc (09022015). Collection method: clinical testing. Allele origin: germline.
Comment: In summary, the available evidence is currently insufficient to determine the role of this variant in disease. Therefore, it has been classified as a Variant of Uncertain Significance. Algorithms developed to predict the effect of missense changes on protein structure and function are either unavailable or do not agree on the potential impact of this missense change (SIFT: "Tolerated"; PolyPhen-2: "Possibly Damaging"; Align-GVGD: "Class C0"). This variant has not been reported in the literature in individuals affected with CTC1-related conditions. This variant is not present in population databases (ExAC no frequency). This sequence change replaces proline with serine at codon 944 of the CTC1 protein (p.Pro944Ser). The proline residue is highly conserved and there is a moderate physicochemical difference between proline and serine.

NM_025099.6(CTC1):c.2830C>T (p.Pro944Ser)

Gene: CTC1 (CST telomere replication complex component 1; minus strand). Cytogenetic location: 17p13.1.
Variant type: single nucleotide variant.
Coding change: c.2830C>T on transcript NM_025099.6 (MANE Select); coding-DNA position 2830, C replaced by T.
Protein change: p.Pro944Ser; replaces proline 944 with serine.
Molecular consequence: missense variant. On other transcripts: non-coding transcript variant (1).
Genome position (GRCh38, 1-based): chr17:8,230,397, G>A on the plus strand (C>T on the coding strand, the complement: CTC1 is on the minus strand). VCF-style: chr17-8230397-G-A. GRCh37 (hg19) VCF-style: chr17-8133715-G-A.
Other names: short protein forms P944S.
Identifiers: ClinVar variation 1483954 (VCV001483954.6), dbSNP rs1299588337, ClinGen allele CA397974275.
Genomic context (GRCh38, chr17:8,230,397, plus strand): 5'-CTGGAAGTAGTCCTAGTGAGGGAGGCAAGTGTGGGTCTTCTATATATACATCCAGGTGAG[G>A]GGGGAATTCACATTCAGCAGTCTCAAGAGCGACTGTTAGCTTCACACACCTTCTCATGGC-3'
Protein context (NP_079375.3, residues 934-954): ALETAECEFP[Pro944Ser]HLDVYIEDPH